The following is an entry in ClinVar:

NM_004260.4(RECQL4):c.2200+6G>T

Gene: RECQL4 (RecQ like helicase 4; minus strand). Cytogenetic location: 8q24.3.
Variant type: single nucleotide variant.
Coding change: c.2200+6G>T on transcript NM_004260.4 (MANE Select); 6 bases into the intron after coding-DNA position 2200, G replaced by T.
Molecular consequence: intron variant.
Genome position (GRCh38, 1-based): chr8:144,513,565, C>A on the plus strand (G>T on the coding strand, the complement: RECQL4 is on the minus strand). VCF-style: chr8-144513565-C-A. GRCh37 (hg19) VCF-style: chr8-145738949-C-A.
Identifiers: ClinVar variation 1356616 (VCV001356616.6), dbSNP rs2130682284, ClinGen allele CA2573143080.
Genomic context (GRCh38, chr8:144,513,565, plus strand): 5'-CAGTGGGATGGGACCATGTGTGCCCAAGGTGGGTCCACGGGGACACCAGCTCTGTCCATG[C>A]CGCACCTCCAGACCCTGGGACCCAGGCTGCGTGCAGGCAGGTTCGGAGGAGCGCAGCGAT-3'

ClinVar aggregate classification (germline): Uncertain significance (1 of 4 stars; one submission).

Conditions:
Baller-Gerold syndrome (BGS). Also called: CRANIOSYNOSTOSIS WITH RADIAL DEFECTS. Identifiers: Orphanet 1225, MedGen C0265308, MONDO:0009039, OMIM 218600.

Submission:

Labcorp Genetics (formerly Invitae), Labcorp
Classification: Uncertain significance for Baller-Gerold syndrome. Last evaluated: 2024-04-07. Review status: criteria provided, single submitter. Criteria: Invitae Variant Classification Sherloc (09022015). Collection method: clinical testing. Allele origin: germline.
Comment: This sequence change falls in intron 13 of the RECQL4 gene. It does not directly change the encoded amino acid sequence of the RECQL4 protein. It affects a nucleotide within the consensus splice site. This variant is not present in population databases (gnomAD no frequency). This variant has not been reported in the literature in individuals affected with RECQL4-related conditions. ClinVar contains an entry for this variant (Variation ID: 1356616). Experimental studies and prediction algorithms are not available or were not evaluated, and the functional significance of this variant is currently unknown. Variants that disrupt the consensus splice site are a relatively common cause of aberrant splicing (PMID: 17576681, 9536098). Algorithms developed to predict the effect of sequence changes on RNA splicing suggest that this variant is not likely to affect RNA splicing. In summary, the available evidence is currently insufficient to determine the role of this variant in disease. Therefore, it has been classified as a Variant of Uncertain Significance.

Literature cited by the submitters: PubMed 17576681; PubMed 9536098.